The following is an entry in ClinVar:

ClinVar aggregate classification (germline): Benign/Likely benign. Review status: criteria provided, multiple submitters, no conflicts (2 of 4 stars). 5 submissions from 5 submitters: Benign (4); Likely benign (1). Last evaluated 2024-11-26.

Allele frequency attached by ClinVar (database versions not stated): gnomAD exomes 0.08644; gnomAD 0.11557; 1000 Genomes Project 30x 0.15147; ExAC 0.17749.
gnomAD v4.1: 107,304 of 1,198,524 alleles (9%); highest among the groups gnomAD compares: Admixed American, 13%; 1,068 homozygotes.

Submissions (5):

Blueprint Genetics
Classification: Likely benign. Last evaluated: 2024-11-26. Review status: criteria provided, single submitter. Criteria: ACMG Guidelines, 2015. Collection method: clinical testing. Allele origin: germline.

Genetic Services Laboratory, University of Chicago
Classification: Benign. Last evaluated: 2020-08-07. Review status: criteria provided, single submitter. Criteria: ACMG Guidelines, 2015. Collection method: clinical testing. Allele origin: germline. Affected: no.

GeneDx
Classification: Benign. Last evaluated: 2016-01-13. Review status: criteria provided, single submitter. Criteria: GeneDx Variant Classification (06012015). Collection method: clinical testing. Allele origin: germline. Affected: yes.
Comment: This variant is considered likely benign or benign based on one or more of the following criteria: it is a conservative change, it occurs at a poorly conserved position in the protein, it is predicted to be benign by multiple in silico algorithms, and/or has population frequency not consistent with disease.

Breakthrough Genomics
Classification: Benign. Review status: criteria provided, single submitter. Criteria: ACMG Guidelines, 2015. Collection method: not provided. Allele origin: germline. Inheritance: Autosomal recessive inheritance. Affected: yes.

PreventionGenetics, part of Exact Sciences
Classification: Benign. Review status: criteria provided, single submitter. Criteria: ACMG Guidelines, 2015. Collection method: clinical testing. Allele origin: germline.

NM_001164508.2(NEB):c.14734A>G (p.Asn4912Asp)

Gene: NEB (nebulin; minus strand). Cytogenetic location: 2q23.3.
Variant type: single nucleotide variant.
Coding change: c.14734A>G on transcript NM_001164508.2 (MANE Select); coding-DNA position 14734, A replaced by G.
Protein change: p.Asn4912Asp; replaces asparagine 4912 with aspartic acid.
Molecular consequence: missense variant. On other transcripts: intron variant (1).
Genome position (GRCh38, 1-based): chr2:151,592,126, T>C on the plus strand (A>G on the coding strand, the complement: NEB is on the minus strand). VCF-style: chr2-151592126-T-C. GRCh37 (hg19) VCF-style: chr2-152448640-T-C.
Other names: c.14734A>G, p.Asn4912Asp (NM_001164507.2, NM_001271208.2); c.11602-15772A>G (NM_004543.5); short protein forms N4912D.
Identifiers: ClinVar variation 257743 (VCV000257743.8), dbSNP rs10909569, ClinGen allele CA1908486.
Genomic context (GRCh38, chr2:151,592,126, plus strand): 5'-GCAGCATCAGGGGAGTGTCAGCTGGCACGTTCACATTAGCCTTCTCTTTCTCCCAGGCAT[T>C]GCGATACAATGGCTGGGAAAAATGAAAAACGATGGAATGGTCAATTAGTAAATAAGTCAA-3'
Protein context (NP_001157980.2, residues 4902-4922): AVQISEPLYR[Asn4912Asp]AWEKEKANVN